The following is an entry in ClinVar:

NM_001009944.3(PKD1):c.7214G>A (p.Trp2405Ter)

Genes: MIR6511B1 (microRNA 6511b-1; minus strand), PKD1 (polycystin 1, transient receptor potential channel interacting; minus strand). Cytogenetic location: 16p13.3.
Variant type: single nucleotide variant.
Coding change: c.7214G>A on transcript NM_001009944.3 (MANE Select); coding-DNA position 7214, G replaced by A.
Protein change: p.Trp2405Ter; replaces tryptophan 2405 with a stop codon.
Molecular consequence: nonsense. On other transcripts: non-coding transcript variant (1).
Genome position (GRCh38, 1-based): chr16:2,106,673, C>T on the plus strand (G>A on the coding strand, the complement: PKD1 is on the minus strand). VCF-style: chr16-2106673-C-T. GRCh37 (hg19) VCF-style: chr16-2156674-C-T.
Other names: c.7214G>A, p.Trp2405Ter (NM_000296.4); short protein forms W2405*.
Identifiers: ClinVar variation 811806 (VCV000811806.9), dbSNP rs1555453244, ClinGen allele CA394371293.

ClinVar aggregate classification (germline): Pathogenic. Review status: criteria provided, multiple submitters, no conflicts (2 of 4 stars). 2 submissions from 2 submitters: Pathogenic (2). Last evaluated 2024-01-09.

Conditions:
Polycystic kidney disease, adult type (PKD1). Also called: POLYCYSTIC KIDNEY DISEASE 1 WITH OR WITHOUT POLYCYSTIC LIVER DISEASE; POLYCYSTIC KIDNEY DISEASE, ADULT, TYPE I; Polycystic Kidney, Autosomal Dominant; Polycystic Kidney Disease 1, Autosomal Dominant; Polycystic kidney disease 1; Polycystic kidney disease 1, severe. Identifiers: MedGen C3149841, MONDO:0008263, OMIM 173900.

Submissions (2):

Women's Health and Genetics/Laboratory Corporation of America, LabCorp
Classification: Pathogenic for Polycystic kidney disease, adult type. Last evaluated: 2024-01-09. Review status: criteria provided, single submitter. Criteria: LabCorp Variant Classification Summary - May 2015. Collection method: clinical testing. Allele origin: germline.
Comment: Variant summary: PKD1 c.7214G>A (p.Trp2405X) results in a premature termination codon, predicted to cause a truncation of the encoded protein or absence of the protein due to nonsense mediated decay, which are commonly known mechanisms for disease. The variant was absent in 201766 control chromosomes (gnomAD). c.7214G>A has been reported in the literature in individuals affected with Polycystic Kidney Disease 1 (e.g., Kim_2019). These data suggest the variant is very likely to be associated with disease. The following publication was ascertained in the context of this evaluation (PMID: 31740684). ClinVar contains an entry for this variant (Variation ID: 811806). Based on the evidence outlined above, the variant was classified as pathogenic.

ARUP Laboratories, Molecular Genetics and Genomics, ARUP Laboratories
Classification: Pathogenic for Polycystic kidney disease, adult type. Last evaluated: 2018-10-23. Review status: criteria provided, single submitter. Criteria: ARUP Molecular Germline Variant Investigation Process. Collection method: clinical testing. Allele origin: germline.
Comment: The PKD1 c.7214G>A; p.Trp2405Ter variant is reported in the literature in several individuals affected with ADPKD (Audrezet 2012, Mallawaarachchi 2016). This variant is absent from general population databases (Exome Variant Server, Genome Aggregation Database), indicating it is not a common polymorphism. This variant induces an early termination codon and is predicted to result in a truncated protein or mRNA subject to nonsense-mediated decay. Based on available information, this variant is considered to be pathogenic. References: Audrezet MP et al. Autosomal dominant polycystic kidney disease: comprehensive mutation analysis of PKD1 and PKD2 in 700 unrelated patients. Hum Mutat. 2012 Aug;33(8):1239-50. Mallawaarachchi AC et al. Whole-genome sequencing overcomes pseudogene homology to diagnose autosomal dominant polycystic kidney disease. Eur J Hum Genet. 2016 Nov;24(11):1584-1590.

Literature cited by the submitters: PubMed 31740684 (cited by Women's Health and Genetics/Laboratory Corporation of America, LabCorp).